The following is an entry in ClinVar:

ClinVar aggregate classification (germline): Uncertain significance (1 of 4 stars; one submission).

Conditions:
Inborn genetic diseases. Identifiers: MedGen C0950123, MeSH D030342.

gnomAD v4.1: 7 of 1,441,290 alleles (0.00049%); highest among the groups gnomAD compares: South Asian, 0.0028%; no homozygotes.

Submission:

Ambry Genetics
Classification: Uncertain significance for Inborn genetic diseases. Last evaluated: 2025-04-01. Review status: criteria provided, single submitter. Criteria: Ambry Variant Classification Scheme 2023. Collection method: clinical testing. Allele origin: germline.
Comment: The p.R221T variant (also known as c.662G>C), located in coding exon 1 of the SH2B3 gene, results from a G to C substitution at nucleotide position 662. The arginine at codon 221 is replaced by threonine, an amino acid with similar properties. This amino acid position is conserved. In addition, the in silico prediction for this alteration is inconclusive. Based on the available evidence, the clinical significance of this variant remains unclear.

NM_005475.3(SH2B3):c.662G>C (p.Arg221Thr)

Gene: SH2B3 (SH2B adaptor protein 3; plus strand). Cytogenetic location: 12q24.12.
Variant type: single nucleotide variant.
Coding change: c.662G>C on transcript NM_005475.3 (MANE Select); coding-DNA position 662, G replaced by C.
Protein change: p.Arg221Thr; replaces arginine 221 with threonine.
Molecular consequence: missense variant.
Genome position (GRCh38, 1-based): chr12:111,418,807, G>C. VCF-style: chr12-111418807-G-C. GRCh37 (hg19) VCF-style: chr12-111856611-G-C.
Other names: short protein forms R221T.
Identifiers: ClinVar variation 3953412 (VCV003953412.1).